The following is an entry in ClinVar:

NM_001232.4(CASQ2):c.1148A>G (p.Asp383Gly)

Gene: CASQ2 (calsequestrin 2; minus strand). Cytogenetic location: 1p13.1.
Variant type: single nucleotide variant.
Coding change: c.1148A>G on transcript NM_001232.4 (MANE Select); coding-DNA position 1148, A replaced by G.
Protein change: p.Asp383Gly; replaces aspartic acid 383 with glycine.
Molecular consequence: missense variant.
Genome position (GRCh38, 1-based): chr1:115,701,293, T>C on the plus strand (A>G on the coding strand, the complement: CASQ2 is on the minus strand). VCF-style: chr1-115701293-T-C. GRCh37 (hg19) VCF-style: chr1-116243914-T-C.
Other names: short protein forms D383G.
Identifiers: ClinVar variation 44156 (VCV000044156.14), dbSNP rs397516640, ClinGen allele CA133693.

ClinVar aggregate classification (germline): Conflicting classifications of pathogenicity. Review status: criteria provided, conflicting classifications (1 of 4 stars). 5 submissions from 5 submitters: Uncertain significance (4); Likely benign (1). Last evaluated 2026-07-23.

Conditions:
Cardiovascular phenotype. Identifiers: MedGen CN230736.
Catecholaminergic polymorphic ventricular tachycardia 2. Also called: CASQ2-Related Catecholaminergic Polymorphic Ventricular Tachycardia; VENTRICULAR TACHYCARDIA, STRESS-INDUCED POLYMORPHIC 2. Identifiers: Orphanet 3286, MedGen C2677794, MONDO:0012762, OMIM 611938.
Catecholaminergic polymorphic ventricular tachycardia 1. Also called: RYR2-Related Catecholaminergic Polymorphic Ventricular Tachycardia; VENTRICULAR TACHYCARDIA, CATECHOLAMINERGIC POLYMORPHIC, 1, WITH OR WITHOUT ATRIAL DYSFUNCTION AND/OR DILATED CARDIOMYOPATHY; VENTRICULAR TACHYCARDIA, STRESS-INDUCED POLYMORPHIC 1. Identifiers: Orphanet 3286, MedGen C1631597, MONDO:0011484, OMIM 604772.

Allele frequency attached by ClinVar (database versions not stated): TOPMed 0.00004; gnomAD 0.00007 and 0.00006; gnomAD exomes 0.00008 and 0.00009; ExAC 0.00009.
gnomAD v4.1: 118 of 1,533,200 alleles (0.0077%); highest among the groups gnomAD compares: Non-Finnish European, 0.0099%; no homozygotes.

Submissions (5):

GeneDx
Classification: Uncertain significance. Last evaluated: 2026-07-23. Review status: criteria provided, single submitter. Criteria: GeneDx Variant Classification Process June 2021. Collection method: clinical testing. Allele origin: germline.
Comment: Reported as homozygous in two siblings with spastic paraplegia type 47; however, additional variants were also identified including a homozygous frameshift variant in the AP4B1 gene (PMID: 22290197); In silico analysis supports that this missense variant has a deleterious effect on protein structure/function; This variant is associated with the following publications: (PMID: 30821013, 26230511, 22290197)

Labcorp Genetics (formerly Invitae), Labcorp
Classification: Uncertain significance for Catecholaminergic polymorphic ventricular tachycardia 1. Last evaluated: 2026-01-15. Review status: criteria provided, single submitter. Criteria: Invitae Variant Classification Sherloc (09022015). Collection method: clinical testing. Allele origin: germline.
Comment: This sequence change replaces aspartic acid, which is acidic and polar, with glycine, which is neutral and non-polar, at codon 383 of the CASQ2 protein (p.Asp383Gly). The frequency data for this variant in the population databases is considered unreliable, as metrics indicate poor data quality at this position in the gnomAD database. This missense change has been observed in individual(s) with Brugada Syndrome (PMID: 26230511). ClinVar contains an entry for this variant (Variation ID: 44156). Experimental studies and prediction algorithms are not available or were not evaluated, and the functional significance of this variant is currently unknown. Algorithms developed to predict the effect of sequence changes on RNA splicing suggest that this variant may create or strengthen a splice site. In summary, the available evidence is currently insufficient to determine the role of this variant in disease. Therefore, it has been classified as a Variant of Uncertain Significance.

Ambry Genetics
Classification: Likely benign for Cardiovascular phenotype. Last evaluated: 2024-11-08. Review status: criteria provided, single submitter. Criteria: Ambry Variant Classification Scheme 2023. Collection method: clinical testing. Allele origin: germline.

Genome-Nilou Lab
Classification: Uncertain significance for Catecholaminergic polymorphic ventricular tachycardia 2. Last evaluated: 2023-04-11. Review status: criteria provided, single submitter. Criteria: ACMG Guidelines, 2015. Collection method: clinical testing. Allele origin: germline. Affected: no.

Laboratory for Molecular Medicine, Mass General Brigham Personalized Medicine
Classification: Uncertain significance. Last evaluated: 2012-05-15. Review status: criteria provided, single submitter. Criteria: LMM Criteria. Collection method: clinical testing. Allele origin: germline. Observed: 1 variant allele.
Comment: The Asp383Gly variant in CASQ2 has not been reported in the literature nor previ ously identified by our laboratory. This variant has not been identified in 2 ve ry large and broad populations (European and African American) sequenced by the NHLBI Exome Sequencing Project. This low freq uency is consistent with a disease causing role, but insufficient to establish t his with confidence. Computational analyses (biochemical amino acid properties, conservation, AlignGVGD, PolyPhen2, and SIFT) do not provide strong support for or against an impact to the protein. Additional information is needed to fully a ssess the clinical significance of this variant.

Literature cited by the submitters: PubMed 26230511 (cited by Labcorp Genetics (formerly Invitae), Labcorp and Ambry Genetics); PubMed 22290197 (cited by Ambry Genetics); PubMed 30821013 (cited by Ambry Genetics).